The following is an entry in ClinVar:

NM_001211.6(BUB1B):c.2554G>A (p.Glu852Lys)

Gene: BUB1B (BUB1 mitotic checkpoint serine/threonine kinase B; plus strand). Cytogenetic location: 15q15.1.
Variant type: single nucleotide variant.
Coding change: c.2554G>A on transcript NM_001211.6 (MANE Select); coding-DNA position 2554, G replaced by A.
Protein change: p.Glu852Lys; replaces glutamic acid 852 with lysine.
Molecular consequence: missense variant.
Genome position (GRCh38, 1-based): chr15:40,213,350, G>A. VCF-style: chr15-40213350-G-A. GRCh37 (hg19) VCF-style: chr15-40505551-G-A.
Other names: short protein forms E852K.
Identifiers: ClinVar variation 1792995 (VCV001792995.2), dbSNP rs1438130278, ClinGen allele CA391685969.
Genomic context (GRCh38, chr15:40,213,350, plus strand): 5'-CAAACTTGAGAAATAGTGAGTTTTCTGTCCTTCAATTTCCAGGATCTTCTCCAACACAGT[G>A]AATATATTACCCATGAAATAACAGTGTTGATTATTTATAACCTTTTGACAATAGTGGAGA-3'
Protein context (NP_001202.5, residues 842-862): FTLQDLLQHS[Glu852Lys]YITHEITVLI

ClinVar aggregate classification (germline): Uncertain significance (1 of 4 stars; one submission).

Conditions:
Inborn genetic diseases. Identifiers: MedGen C0950123, MeSH D030342.

Allele frequency attached by ClinVar (database versions not stated): TOPMed 0.00001.

Submission:

Ambry Genetics
Classification: Uncertain significance for Inborn genetic diseases. Last evaluated: 2023-10-15. Review status: criteria provided, single submitter. Criteria: Ambry Variant Classification Scheme 2023. Collection method: clinical testing. Allele origin: germline.
Comment: The p.E852K variant (also known as c.2554G>A), located in coding exon 20 of the BUB1B gene, results from a G to A substitution at nucleotide position 2554. The glutamic acid at codon 852 is replaced by lysine, an amino acid with similar properties. This amino acid position is conserved. In addition, the in silico prediction for this alteration is inconclusive. Since supporting evidence is limited at this time, the clinical significance of this alteration remains unclear.